The following is an entry in ClinVar:

NM_000059.4(BRCA2):c.9545A>C (p.His3182Pro)

Gene: BRCA2 (BRCA2 DNA repair associated; plus strand). Cytogenetic location: 13q13.1.
Variant type: single nucleotide variant.
Coding change: c.9545A>C on transcript NM_000059.4 (MANE Select); coding-DNA position 9545, A replaced by C.
Protein change: p.His3182Pro; replaces histidine 3182 with proline.
Molecular consequence: missense variant.
Genome position (GRCh38, 1-based): chr13:32,396,941, A>C. VCF-style: chr13-32396941-A-C. GRCh37 (hg19) VCF-style: chr13-32971078-A-C.
Other names: c.9449A>C, p.His3150Pro (NM_001406719.1); c.9494A>C, p.His3165Pro (NM_001406720.1); c.4613A>C, p.His1538Pro (NM_001406721.1); c.3128A>C, p.His1043Pro (NM_001406722.1); short protein forms H1043P, H1538P, H3150P, H3165P, H3182P.
Identifiers: ClinVar variation 2445320 (VCV002445320.6), dbSNP rs1566260129, ClinGen allele CA387763163.

ClinVar aggregate classification (germline): Conflicting classifications of pathogenicity. Review status: criteria provided, conflicting classifications (1 of 4 stars). 3 submissions from 3 submitters: Uncertain significance (2); Benign (1). Last evaluated 2023-11-21.

Conditions:
Hereditary cancer-predisposing syndrome. Also called: Neoplastic Syndromes, Hereditary; Hereditary Cancer Syndrome; Tumor predisposition; Hereditary neoplastic syndrome. Identifiers: Orphanet 140162, MedGen C0027672, MeSH D009386, MONDO:0015356.
Ovarian cancer. Also called: OVARIAN CANCER, SOMATIC. Identifiers: Orphanet 213500, MedGen C1140680, MONDO:0008170, OMIM 167000.
Hereditary breast ovarian cancer syndrome. Also called: Hereditary breast and ovarian cancer syndrome (HBOC); Hereditary breast and ovarian cancer syndrome; Hereditary breast and/or ovarian cancer syndrome; Breast and ovarian cancer; Hereditary breast and ovarian cancer; BRCA1- and BRCA2-Associated Hereditary Breast and Ovarian Cancer. Identifiers: Orphanet 145, MedGen C0677776, MeSH D061325, MONDO:0003582. Disease mechanism: loss of function.

Submissions (3):

Labcorp Genetics (formerly Invitae), Labcorp
Classification: Uncertain significance for Hereditary breast ovarian cancer syndrome. Last evaluated: 2023-11-21. Review status: criteria provided, single submitter. Criteria: Invitae Variant Classification Sherloc (09022015). Collection method: clinical testing. Allele origin: germline.
Comment: This sequence change replaces histidine, which is basic and polar, with proline, which is neutral and non-polar, at codon 3182 of the BRCA2 protein (p.His3182Pro). This variant is not present in population databases (gnomAD no frequency). This variant has not been reported in the literature in individuals affected with BRCA2-related conditions. ClinVar contains an entry for this variant (Variation ID: 2445320). Advanced modeling of protein sequence and biophysical properties (such as structural, functional, and spatial information, amino acid conservation, physicochemical variation, residue mobility, and thermodynamic stability) performed at Invitae indicates that this missense variant is not expected to disrupt BRCA2 protein function with a negative predictive value of 95%. In summary, the available evidence is currently insufficient to determine the role of this variant in disease. Therefore, it has been classified as a Variant of Uncertain Significance.

Ambry Genetics
Classification: Uncertain significance for Hereditary cancer-predisposing syndrome. Last evaluated: 2023-09-18. Review status: criteria provided, single submitter. Criteria: Ambry Variant Classification Scheme 2023. Collection method: clinical testing. Allele origin: germline.
Comment: The p.H3182P variant (also known as c.9545A>C), located in coding exon 25 of the BRCA2 gene, results from an A to C substitution at nucleotide position 9545. The histidine at codon 3182 is replaced by proline, an amino acid with similar properties. This alteration was identified in a cohort of 882 Chinese individuals with a personal and/or family history of breast or ovarian cancers who underwent multi-gene panel testing for HBOC risk assessment (Shao D et al. Cancer Sci, 2020 Feb;111:647-657). This amino acid position is not well conserved in available vertebrate species. In addition, the in silico prediction for this alteration is inconclusive. Since supporting evidence is limited at this time, the clinical significance of this alteration remains unclear.

Laboratory of Molecular Epidemiology of Birth Defects, West China Second University Hospital, Sichuan University
Classification: Benign for Ovarian cancer. Last evaluated: 2022-01-01. Review status: criteria provided, single submitter. Criteria: ACMG Guidelines, 2015. Collection method: clinical testing. Allele origin: germline. Affected: yes.

Literature cited by the submitters: PubMed 31742824 (cited by Ambry Genetics).